The following is an entry in ClinVar:

NM_015030.2(FRYL):c.71T>A (p.Phe24Tyr)

Gene: FRYL (FRY like transcription coactivator; minus strand). Cytogenetic location: 4p11.
Variant type: single nucleotide variant.
Coding change: c.71T>A on transcript NM_015030.2 (MANE Select); coding-DNA position 71, T replaced by A.
Protein change: p.Phe24Tyr; replaces phenylalanine 24 with tyrosine.
Molecular consequence: missense variant.
Genome position (GRCh38, 1-based): chr4:48,634,340, A>T on the plus strand (T>A on the coding strand, the complement: FRYL is on the minus strand). VCF-style: chr4-48634340-A-T. GRCh37 (hg19) VCF-style: chr4-48636357-A-T.
Other names: short protein forms F24Y.
Identifiers: ClinVar variation 3765789 (VCV003765789.1).

ClinVar aggregate classification (germline): Uncertain significance (1 of 4 stars; one submission).

Submission:

Greenwood Genetic Center Diagnostic Laboratories, Greenwood Genetic Center
Classification: Uncertain significance. Last evaluated: 2024-11-22. Review status: criteria provided, single submitter. Criteria: ACMG Guidelines, 2015. Collection method: clinical testing. Allele origin: germline. Affected: yes.
Comment: PM2, PP2, PP3